The following is an entry in ClinVar:

ClinVar aggregate classification (germline): Uncertain significance (1 of 4 stars; one submission).

Allele frequency attached by ClinVar (database versions not stated): gnomAD exomes below 0.00001; TOPMed below 0.00001; ExAC 0.00001.
gnomAD v4.1: 1 of 1,569,774 alleles (0.000064%); highest among the groups gnomAD compares: Non-Finnish European, 0.000086%; no homozygotes.

Submission:

GeneDx
Classification: Uncertain significance. Last evaluated: 2022-04-07. Review status: criteria provided, single submitter. Criteria: GeneDx Variant Classification Process June 2021. Collection method: clinical testing. Allele origin: germline. Affected: yes.
Comment: Not observed at significant frequency in large population cohorts (gnomAD); In silico analysis supports that this missense variant does not alter protein structure/function; Has not been previously published as pathogenic or benign to our knowledge

NM_020774.4(MIB1):c.2416C>T (p.Pro806Ser)

Gene: MIB1 (MIB E3 ubiquitin protein ligase 1; plus strand). Cytogenetic location: 18q11.2.
Variant type: single nucleotide variant.
Coding change: c.2416C>T on transcript NM_020774.4 (MANE Select); coding-DNA position 2416, C replaced by T.
Protein change: p.Pro806Ser; replaces proline 806 with serine.
Molecular consequence: missense variant.
Genome position (GRCh38, 1-based): chr18:21,849,218, C>T. VCF-style: chr18-21849218-C-T. GRCh37 (hg19) VCF-style: chr18-19429179-C-T.
Other names: short protein forms P806S.
Identifiers: ClinVar variation 1708859 (VCV001708859.2), dbSNP rs763626589, ClinGen allele CA8908613.